The following is an entry in ClinVar:

ClinVar aggregate classification (germline): Uncertain significance (1 of 4 stars; one submission).

Conditions:
Familial thoracic aortic aneurysm and aortic dissection (TAAD). Also called: Thoracic aortic aneurysms and dissections. Identifiers: Orphanet 91387, MedGen C4707243, MONDO:0019625.

Allele frequency attached by ClinVar (database versions not stated): gnomAD exomes below 0.00001.
gnomAD v4.1: 2 of 1,614,024 alleles (0.00012%); highest among the groups gnomAD compares: Non-Finnish European, 0.00017%; no homozygotes.

Submission:

Ambry Genetics
Classification: Uncertain significance for Familial thoracic aortic aneurysm and aortic dissection. Last evaluated: 2020-05-14. Review status: criteria provided, single submitter. Criteria: Ambry Variant Classification Scheme 2023. Collection method: clinical testing. Allele origin: germline.
Comment: The p.C1412Y variant (also known as c.4235G>A), located in coding exon 33 of the FBN2 gene, results from a G to A substitution at nucleotide position 4235. The cysteine at codon 1412 is replaced by tyrosine, an amino acid with highly dissimilar properties. In one study, 13 of 14 reported FBN2 mutations were found in the middle region of the gene (exons 24-36), and 7 of these mutations were noted to alter or produce a cysteine residue (Callewaert BL et al. Hum Mutat. 2009;30(3):334-341). This amino acid position is highly conserved in available vertebrate species. In addition, this alteration is predicted to be deleterious by in silico analysis. Since supporting evidence is limited at this time, the clinical significance of this alteration remains unclear.

NM_001999.4(FBN2):c.4235G>A (p.Cys1412Tyr)

Gene: FBN2 (fibrillin 2; minus strand). Cytogenetic location: 5q23.3.
Variant type: single nucleotide variant.
Coding change: c.4235G>A on transcript NM_001999.4 (MANE Select); coding-DNA position 4235, G replaced by A.
Protein change: p.Cys1412Tyr; replaces cysteine 1412 with tyrosine.
Molecular consequence: missense variant.
Genome position (GRCh38, 1-based): chr5:128,330,683, C>T on the plus strand (G>A on the coding strand, the complement: FBN2 is on the minus strand). VCF-style: chr5-128330683-C-T. GRCh37 (hg19) VCF-style: chr5-127666375-C-T.
Other names: short protein forms C1412Y.
Identifiers: ClinVar variation 1738936 (VCV001738936.2), dbSNP rs2479786797, ClinGen allele CA360754196.